The following is an entry in ClinVar:

ClinVar aggregate classification (germline): Uncertain significance (1 of 4 stars; one submission).

Conditions:
Desbuquois dysplasia 1 (DBQD1). Also called: MICROMELIC DWARFISM WITH VERTEBRAL AND METAPHYSEAL ABNORMALITIES AND ADVANCED CARPOTARSAL OSSIFICATION; DESBUQUOIS DYSPLASIA 1, KIM VARIANT. Identifiers: Orphanet 1425, MedGen C4012146, MONDO:0009629, OMIM 251450.

Allele frequency attached by ClinVar (database versions not stated): TOPMed below 0.00001; ExAC 0.00001.

Submission:

Labcorp Genetics (formerly Invitae), Labcorp
Classification: Uncertain significance for Desbuquois dysplasia 1. Last evaluated: 2022-05-20. Review status: criteria provided, single submitter. Criteria: Invitae Variant Classification Sherloc (09022015). Collection method: clinical testing. Allele origin: germline.
Comment: This variant has not been reported in the literature in individuals affected with XYLT1-related conditions. This sequence change replaces glutamine, which is neutral and polar, with arginine, which is basic and polar, at codon 343 of the XYLT1 protein (p.Gln343Arg). This variant is present in population databases (rs745933619, gnomAD 0.0009%). Algorithms developed to predict the effect of missense changes on protein structure and function are either unavailable or do not agree on the potential impact of this missense change (SIFT: "Tolerated"; PolyPhen-2: "Possibly Damaging"; Align-GVGD: "Class C0"). In summary, the available evidence is currently insufficient to determine the role of this variant in disease. Therefore, it has been classified as a Variant of Uncertain Significance.

NM_022166.4(XYLT1):c.1028A>G (p.Gln343Arg)

Gene: XYLT1 (xylosyltransferase 1; minus strand). Cytogenetic location: 16p12.3.
Variant type: single nucleotide variant.
Coding change: c.1028A>G on transcript NM_022166.4 (MANE Select); coding-DNA position 1028, A replaced by G.
Protein change: p.Gln343Arg; replaces glutamine 343 with arginine.
Molecular consequence: missense variant.
Genome position (GRCh38, 1-based): chr16:17,200,540, T>C on the plus strand (A>G on the coding strand, the complement: XYLT1 is on the minus strand). VCF-style: chr16-17200540-T-C. GRCh37 (hg19) VCF-style: chr16-17294397-T-C.
Other names: short protein forms Q343R.
Identifiers: ClinVar variation 1996959 (VCV001996959.4), dbSNP rs745933619, ClinGen allele CA7928043.